The following is an entry in ClinVar:

NM_017763.6(RNF43):c.1372C>G (p.Leu458Val)

Gene: RNF43 (ring finger protein 43; minus strand). Cytogenetic location: 17q22.
Variant type: single nucleotide variant.
Coding change: c.1372C>G on transcript NM_017763.6 (MANE Select); coding-DNA position 1372, C replaced by G.
Protein change: p.Leu458Val; replaces leucine 458 with valine.
Molecular consequence: missense variant.
Genome position (GRCh38, 1-based): chr17:58,358,404, G>C on the plus strand (C>G on the coding strand, the complement: RNF43 is on the minus strand). VCF-style: chr17-58358404-G-C. GRCh37 (hg19) VCF-style: chr17-56435765-G-C.
Other names: c.1372C>G, p.Leu458Val (NM_001305544.3); c.991C>G, p.Leu331Val (NM_001305545.2); short protein forms L458V, L331V.
Identifiers: ClinVar variation 3434525 (VCV003434525.1).

ClinVar aggregate classification (germline): Uncertain significance (1 of 4 stars; one submission).

gnomAD v4.1: 2 of 1,613,982 alleles (0.00012%); highest among the groups gnomAD compares: Non-Finnish European, 0.00017%; no homozygotes.

Submission:

Ambry Genetics
Classification: Uncertain significance. Last evaluated: 2024-11-28. Review status: criteria provided, single submitter. Criteria: Ambry Variant Classification Scheme 2023. Collection method: clinical testing. Allele origin: germline.
Comment: The p.L458V variant (also known as c.1372C>G), located in coding exon 8 of the RNF43 gene, results from a C to G substitution at nucleotide position 1372. The leucine at codon 458 is replaced by valine, an amino acid with highly similar properties. This amino acid position is conserved. In addition, this alteration is predicted to be tolerated by in silico analysis. Based on the available evidence, the clinical significance of this variant remains unclear.